The following is an entry in ClinVar:

NM_033305.3(VPS13A):c.7214T>G (p.Leu2405Ter)

Gene: VPS13A (vacuolar protein sorting 13 homolog A; plus strand). Cytogenetic location: 9q21.2.
Variant type: single nucleotide variant.
Coding change: c.7214T>G on transcript NM_033305.3 (MANE Select); coding-DNA position 7214, T replaced by G.
Protein change: p.Leu2405Ter; replaces leucine 2405 with a stop codon.
Molecular consequence: nonsense.
Genome position (GRCh38, 1-based): chr9:77,345,067, T>G. VCF-style: chr9-77345067-T-G. GRCh37 (hg19) VCF-style: chr9-79959983-T-G.
Other names: c.7214T>G (NM_033305.2); c.7097T>G, p.Leu2366Ter (NM_001018037.2); c.7214T>G, p.Leu2405Ter (NM_001018038.3, NM_015186.4); short protein forms L2366*, L2405*.
Identifiers: ClinVar variation 1709453 (VCV001709453.8), dbSNP rs919186738, ClinGen allele CA194389693.

ClinVar aggregate classification (germline): Pathogenic/Likely pathogenic. Review status: criteria provided, multiple submitters, no conflicts (2 of 4 stars). 3 submissions from 3 submitters: Pathogenic (2); Likely pathogenic (1). Last evaluated 2025-09-21.

Conditions:
VPS13A-related neurodegenerative disease. Also called: VPS13A Disease; LEVINE-CRITCHLEY SYNDROME; ACANTHOCYTOSIS WITH NEUROLOGIC DISORDER; Choreaacanthocytosis; Choreoacanthocytosis; Chorea-acanthocytosis. Identifiers: Orphanet 2388, MedGen C0393576, MONDO:0008695, OMIM 200150.

Allele frequency attached by ClinVar (database versions not stated): gnomAD exomes below 0.00001; TOPMed 0.00002; gnomAD 0.00003.
gnomAD v4.1: 7 of 1,613,218 alleles (0.00043%); highest among the groups gnomAD compares: African/African-American, 0.0027%; no homozygotes.

Submissions (3):

Labcorp Genetics (formerly Invitae), Labcorp
Classification: Pathogenic. Last evaluated: 2025-09-21. Review status: criteria provided, single submitter. Criteria: Invitae Variant Classification Sherloc (09022015). Collection method: clinical testing. Allele origin: germline.
Comment: This sequence change creates a premature translational stop signal (p.Leu2405*) in the VPS13A gene. It is expected to result in an absent or disrupted protein product. Loss-of-function variants in VPS13A are known to be pathogenic (PMID: 12404112, 21598378). This variant is present in population databases (no rsID available, gnomAD 0.01%). This variant has not been reported in the literature in individuals affected with VPS13A-related conditions. ClinVar contains an entry for this variant (Variation ID: 1709453). For these reasons, this variant has been classified as Pathogenic.

Natera, Inc.
Classification: Likely pathogenic for Choreaacanthocytosis. Last evaluated: 2025-07-09. Review status: criteria provided, single submitter. Criteria: Natera Variant Classification Schema (03/2026). Collection method: clinical testing. Allele origin: germline.
Comment: The c.7214T>G variant in VPS13A is a nonsense variant predicted to introduce a stop codon at amino acid 2405. This variant is expected to result in nonsense mediated decay, truncation, or a dysfunctional protein product. This variant is rare in the general population with a frequency below the threshold expected for the associated phenotype(s). Given the available evidence, this variant is classified as Likely Pathogenic.

MGZ Medical Genetics Center
Classification: Pathogenic for VPS13A-related neurodegenerative disease. Last evaluated: 2022-05-16. Review status: criteria provided, single submitter. Criteria: ACMG Guidelines, 2015. Collection method: clinical testing. Allele origin: germline. Affected: yes. Observed: 1 variant allele.
Comment: ACMG criteria applied: PVS1, PM2_SUP, PM3_SUP, PP4

Literature cited by the submitters: PubMed 12404112 (cited by Labcorp Genetics (formerly Invitae), Labcorp); PubMed 21598378 (cited by Labcorp Genetics (formerly Invitae), Labcorp).